The following is an entry in ClinVar:

ClinVar aggregate classification (germline): Likely benign. Review status: criteria provided, multiple submitters, no conflicts (2 of 4 stars). 2 submissions from 2 submitters: Likely benign (2). Last evaluated 2025-06-01.

Conditions:
Neonatal encephalomyopathy-cardiomyopathy-respiratory distress syndrome. Also called: Coenzyme Q10 deficiency, primary, 7. Identifiers: Orphanet 457185, MedGen C5568562, MONDO:0014562, OMIM 616276.

Submissions (2):

CeGaT Center for Human Genetics Tuebingen
Classification: Likely benign. Last evaluated: 2025-06-01. Review status: criteria provided, single submitter. Criteria: CeGaT Center For Human Genetics Tuebingen Variant Classification Criteria Version 2. Collection method: clinical testing. Allele origin: germline. Affected: yes. Observed: 1 variant allele.
Comment: COQ4: PM2:Supporting, BP4, BP7

Labcorp Genetics (formerly Invitae), Labcorp
Classification: Likely benign for Neonatal encephalomyopathy-cardiomyopathy-respiratory distress syndrome. Last evaluated: 2024-12-12. Review status: criteria provided, single submitter. Criteria: Invitae Variant Classification Sherloc (09022015). Collection method: clinical testing. Allele origin: germline.

NM_016035.5(COQ4):c.21T>C (p.Pro7=)

Gene: COQ4 (coenzyme Q4; plus strand). Cytogenetic location: 9q34.11.
Variant type: single nucleotide variant.
Coding change: c.21T>C on transcript NM_016035.5 (MANE Select); coding-DNA position 21, T replaced by C.
Protein change: p.Pro7=; no amino-acid change (proline 7 retained).
Molecular consequence: synonymous variant.
Genome position (GRCh38, 1-based): chr9:128,322,879, T>C. VCF-style: chr9-128322879-T-C. GRCh37 (hg19) VCF-style: chr9-131085158-T-C.
Other names: c.21T>C, p.Pro7= (NM_001305942.2).
Identifiers: ClinVar variation 3713421 (VCV003713421.10).